The following is an entry in ClinVar:

NM_001267550.2(TTN):c.35392G>T (p.Glu11798Ter)

Gene: TTN (titin; minus strand). Cytogenetic location: 2q31.2.
Variant type: single nucleotide variant.
Coding change: c.35392G>T on transcript NM_001267550.2 (MANE Select); coding-DNA position 35392, G replaced by T.
Protein change: p.Glu11798Ter; replaces glutamic acid 11798 with a stop codon.
Molecular consequence: nonsense. On other transcripts: intron variant (5).
Genome position (GRCh38, 1-based): chr2:178,669,670, C>A on the plus strand (G>T on the coding strand, the complement: TTN is on the minus strand). VCF-style: chr2-178669670-C-A. GRCh37 (hg19) VCF-style: chr2-179534397-C-A.
Other names: c.13283-27353G>T (NM_003319.4); c.13859-27353G>T (NM_133437.4); c.13658-27353G>T (NM_133432.3); c.31483+548G>T (NM_133378.4); c.34264+548G>T (NM_001256850.1); short protein forms E11798*.
Identifiers: ClinVar variation 3757917 (VCV003757917.2).

ClinVar aggregate classification (germline): Likely pathogenic (1 of 4 stars; one submission).

Conditions:
Dilated cardiomyopathy 1G (CMD1G). Identifiers: Orphanet 154, MedGen C1858763, MONDO:0011400, OMIM 604145.
Autosomal recessive limb-girdle muscular dystrophy type 2J (LGMDR10). Also called: Limb-girdle muscular dystrophy, type 2J; MUSCULAR DYSTROPHY, LIMB-GIRDLE, AUTOSOMAL RECESSIVE 10. Identifiers: Orphanet 140922, MedGen C1837342, MONDO:0012127, OMIM 608807.

Submission:

Labcorp Genetics (formerly Invitae), Labcorp
Classification: Likely pathogenic for Dilated cardiomyopathy 1G; Autosomal recessive limb-girdle muscular dystrophy type 2J. Last evaluated: 2024-08-31. Review status: criteria provided, single submitter. Criteria: Invitae Variant Classification Sherloc (09022015). Collection method: clinical testing. Allele origin: germline.
Comment: This sequence change creates a premature translational stop signal (p.Glu11798*) in the TTN gene. While this is not anticipated to result in nonsense mediated decay, it is expected to create a truncated TTN protein. This variant is not present in population databases (gnomAD no frequency). This variant has not been reported in the literature in individuals affected with TTN-related conditions. Algorithms developed to predict the effect of sequence changes on RNA splicing suggest that this variant may disrupt the consensus splice site. This variant is located in the I band of TTN (PMID: 25589632). Truncating variants in this region have been reported in individuals affected with autosomal recessive centronuclear myopathy (PMID: 23975875, internal data). Truncating variants in this region have also been identified in individuals affected with autosomal dominant dilated cardiomyopathy and/or cardio-related conditions (PMID: 27869827, 32964742, internal data). In summary, the currently available evidence indicates that the variant is pathogenic, but additional data are needed to prove that conclusively. Therefore, this variant has been classified as Likely Pathogenic.

Literature cited by the submitters: PubMed 25589632; PubMed 23975875; PubMed 27869827; PubMed 32964742.